The following is an entry in ClinVar:

ClinVar aggregate classification (germline): Conflicting classifications of pathogenicity. Review status: criteria provided, conflicting classifications (1 of 4 stars). 4 submissions from 4 submitters: Uncertain significance (3); Likely benign (1). Last evaluated 2024-10-06.

Conditions:
Hereditary cancer-predisposing syndrome. Also called: Tumor predisposition; Hereditary Cancer Syndrome; Hereditary neoplastic syndrome; Neoplastic Syndromes, Hereditary. Identifiers: Orphanet 140162, MedGen C0027672, MeSH D009386, MONDO:0015356.
Hereditary breast ovarian cancer syndrome. Also called: Breast and ovarian cancer; Hereditary breast and ovarian cancer; Hereditary breast and/or ovarian cancer syndrome; BRCA1- and BRCA2-Associated Hereditary Breast and Ovarian Cancer; Hereditary breast and ovarian cancer syndrome (HBOC); Hereditary breast and ovarian cancer syndrome. Identifiers: Orphanet 145, MedGen C0677776, MeSH D061325, MONDO:0003582. Disease mechanism: loss of function.

gnomAD v4.1: 1 of 1,603,692 alleles (0.000062%); highest among the groups gnomAD compares: Non-Finnish European, 0.000085%; no homozygotes.

Submissions (4):

Ambry Genetics
Classification: Uncertain significance for Hereditary cancer-predisposing syndrome. Last evaluated: 2024-10-06. Review status: criteria provided, single submitter. Criteria: Ambry Variant Classification Scheme 2023. Collection method: clinical testing. Allele origin: germline.
Comment: The p.I283T variant (also known as c.848T>C), located in coding exon 9 of the BRCA2 gene, results from a T to C substitution at nucleotide position 848. The isoleucine at codon 283 is replaced by threonine, an amino acid with similar properties. This amino acid position is poorly conserved in available vertebrate species. In addition, this alteration is predicted to be tolerated by in silico analysis. Since supporting evidence is limited at this time, the clinical significance of this alteration remains unclear.

Labcorp Genetics (formerly Invitae), Labcorp
Classification: Uncertain significance for Hereditary breast ovarian cancer syndrome. Last evaluated: 2024-04-24. Review status: criteria provided, single submitter. Criteria: Invitae Variant Classification Sherloc (09022015). Collection method: clinical testing. Allele origin: germline.
Comment: This sequence change replaces isoleucine, which is neutral and non-polar, with threonine, which is neutral and polar, at codon 283 of the BRCA2 protein (p.Ile283Thr). This variant is not present in population databases (gnomAD no frequency). This variant has not been reported in the literature in individuals affected with BRCA2-related conditions. ClinVar contains an entry for this variant (Variation ID: 182181). Advanced modeling of protein sequence and biophysical properties (such as structural, functional, and spatial information, amino acid conservation, physicochemical variation, residue mobility, and thermodynamic stability) performed at Invitae indicates that this missense variant is not expected to disrupt BRCA2 protein function with a negative predictive value of 95%. In summary, the available evidence is currently insufficient to determine the role of this variant in disease. Therefore, it has been classified as a Variant of Uncertain Significance.

University of Washington Department of Laboratory Medicine, University of Washington
Classification: Likely benign for Hereditary cancer-predisposing syndrome. Last evaluated: 2023-03-23. Review status: criteria provided, single submitter. Criteria: Dines et al. (Genet Med. 2020). Collection method: curation. Allele origin: germline.
Comment: Missense variant in a coldspot region where missense variants are very unlikely to be pathogenic (PMID:31911673).

BRCA2 exon 10 coldspot. Reclassification based on statistical prior probability.

GeneDx
Classification: Uncertain significance. Last evaluated: 2014-06-10. Review status: criteria provided, single submitter. Criteria: GeneDx Variant Classification (06012015). Collection method: clinical testing. Allele origin: germline. Affected: yes.
Comment: This variant is denoted BRCA2 c.848T>C at the cDNA level, p.Ile283Thr (I283T) at the protein level, and results in the change of an Isoleucine to a Threonine (ATT>ACT). This variant has not, to our knowledge, been published in the literature as pathogenic or benign. BRCA2 Ile283Thr was not observed in approximately 6,500 individuals of European and African American ancestry in the NHLBI Exome Sequencing Project, indicating it is not a common benign variant in these populations. Since Isoleucine and Threonine differ in polarity, charge, size or other properties, this is considered a non-conservative amino acid substitution. BRCA2 Ile283Thr occurs at a position that is highly variable across species and is not located in a known functional domain. In addition, in silico analyses predict that this variant is unlikely to alter protein structure or function. Based on currently available information, it is unclear whether BRCA2 Ile283Thr is pathogenic or benign. We consider it to be a variant of uncertain significance.

NM_000059.4(BRCA2):c.848T>C (p.Ile283Thr)

Gene: BRCA2 (BRCA2 DNA repair associated; plus strand). Cytogenetic location: 13q13.1.
Variant type: single nucleotide variant.
Coding change: c.848T>C on transcript NM_000059.4 (MANE Select); coding-DNA position 848, T replaced by C.
Protein change: p.Ile283Thr; replaces isoleucine 283 with threonine.
Molecular consequence: missense variant.
Genome position (GRCh38, 1-based): chr13:32,332,326, T>C. VCF-style: chr13-32332326-T-C. GRCh37 (hg19) VCF-style: chr13-32906463-T-C.
Other names: p.I283T:ATT>ACT; short protein forms I283T.
Identifiers: ClinVar variation 182181 (VCV000182181.20), dbSNP rs730881507, ClinGen allele CA025680.